The following is an entry in ClinVar:

NM_012243.3(SLC35A3):c.753G>A (p.Gln251=)

Gene: SLC35A3 (solute carrier family 35 member A3; plus strand). Cytogenetic location: 1p21.2.
Variant type: single nucleotide variant.
Coding change: c.753G>A on transcript NM_012243.3 (MANE Select); coding-DNA position 753, G replaced by A.
Protein change: p.Gln251=; no amino-acid change (glutamine 251 retained).
Molecular consequence: synonymous variant. On other transcripts: intron variant (1).
Genome position (GRCh38, 1-based): chr1:100,015,420, G>A. VCF-style: chr1-100015420-G-A. GRCh37 (hg19) VCF-style: chr1-100480976-G-A.
Other names: c.879G>A, p.Gln293= (NM_001271685.2); c.634+3887G>A (NM_001271684.2).
Identifiers: ClinVar variation 947717 (VCV000947717.4), dbSNP rs1660027769, ClinGen allele CA419069755.
Genomic context (GRCh38, chr1:100,015,420, plus strand): 5'-ATCAAAGAATGGATTTTTTCAGGGATATAACCGACTGACCTGGATAGTAGTTGTTCTTCA[G>A]GTAAAGCATTTAAAGTCTTAGATTTAATGCTAATAAACTGTATTTTAATATAAAGAATCA-3'
Protein context (NP_036375.1, residues 241-261): NRLTWIVVVL[Gln251=]ALGGLVIAAV

ClinVar aggregate classification (germline): Uncertain significance (1 of 4 stars; one submission).

Conditions:
Autism spectrum disorder - epilepsy - arthrogryposis syndrome (AMRS). Identifiers: Orphanet 370943, MedGen C3809910, MONDO:0014248, OMIM 615553.

Submission:

Labcorp Genetics (formerly Invitae), Labcorp
Classification: Uncertain significance for Autism spectrum disorder - epilepsy - arthrogryposis syndrome. Last evaluated: 2020-01-07. Review status: criteria provided, single submitter. Criteria: Invitae Variant Classification Sherloc (09022015). Collection method: clinical testing. Allele origin: germline.
Comment: This sequence change affects codon 251 of the SLC35A3 mRNA. It is a 'silent' change, meaning that it does not change the encoded amino acid sequence of the SLC35A3 protein. This variant also falls at the last nucleotide of exon 6 of the SLC35A3 coding sequence, which is part of the consensus splice site for this exon. This variant is not present in population databases (ExAC no frequency). This variant has not been reported in the literature in individuals with SLC35A3-related conditions. Nucleotide substitutions within the consensus splice site are a relatively common cause of aberrant splicing (PMID: 17576681, 9536098). Algorithms developed to predict the effect of sequence changes on RNA splicing suggest that this variant may disrupt the consensus splice site, but this prediction has not been confirmed by published transcriptional studies. In summary, the available evidence is currently insufficient to determine the role of this variant in disease. Therefore, it has been classified as a Variant of Uncertain Significance.

Literature cited by the submitters: PubMed 17576681; PubMed 9536098.